The following is an entry in ClinVar:

ClinVar aggregate classification (germline): Conflicting classifications of pathogenicity. Review status: criteria provided, conflicting classifications (1 of 4 stars). 7 submissions from 7 submitters: Uncertain significance (1); Likely benign (5). 1 of the submissions does not count toward it. Last evaluated 2026-01-21.

Conditions:
TTN-related disorder. Also called: TTN-related condition; TTN-related disease; TTN-related disorders.
Autosomal recessive limb-girdle muscular dystrophy type 2J (LGMDR10). Also called: Limb-girdle muscular dystrophy, type 2J; MUSCULAR DYSTROPHY, LIMB-GIRDLE, AUTOSOMAL RECESSIVE 10. Identifiers: Orphanet 140922, MedGen C1837342, MONDO:0012127, OMIM 608807.
Dilated cardiomyopathy 1G (CMD1G). Identifiers: Orphanet 154, MedGen C1858763, MONDO:0011400, OMIM 604145.

Allele frequency attached by ClinVar (database versions not stated): ExAC 0.00003; gnomAD exomes 0.00005 and 0.00008; gnomAD 0.00006 and 0.00007.
gnomAD v4.1: 85 of 1,612,042 alleles (0.0053%); highest among the groups gnomAD compares: South Asian, 0.012%; no homozygotes.

Submissions (7):

Labcorp Genetics (formerly Invitae), Labcorp
Classification: Likely benign for Dilated cardiomyopathy 1G; Autosomal recessive limb-girdle muscular dystrophy type 2J. Last evaluated: 2026-01-21. Review status: criteria provided, single submitter. Criteria: Invitae Variant Classification Sherloc (09022015). Collection method: clinical testing. Allele origin: germline.

Women's Health and Genetics/Laboratory Corporation of America, LabCorp
Classification: Likely benign. Last evaluated: 2025-11-18. Review status: criteria provided, single submitter. Criteria: LabCorp Variant Classification Summary - May 2015. Collection method: clinical testing. Allele origin: germline.

CeGaT Center for Human Genetics Tuebingen
Classification: Likely benign. Last evaluated: 2025-08-01. Review status: criteria provided, single submitter. Criteria: CeGaT Center For Human Genetics Tuebingen Variant Classification Criteria Version 2. Collection method: clinical testing. Allele origin: germline. Affected: yes. Observed: 6 variant alleles.
Comment: TTN: BP4, BP7

Molecular Diagnostic Laboratory for Inherited Cardiovascular Disease, Montreal Heart Institute
Classification: Likely benign. Last evaluated: 2025-04-09. Review status: criteria provided, single submitter. Criteria: ACMG Guidelines, 2015. Collection method: clinical testing. Allele origin: germline. Affected: no.

GeneDx
Classification: Likely benign. Last evaluated: 2020-07-06. Review status: criteria provided, single submitter. Criteria: GeneDx Variant Classification Process June 2021. Collection method: clinical testing. Allele origin: germline. Affected: yes.

Eurofins Ntd Llc (ga)
Classification: Uncertain significance. Last evaluated: 2016-09-28. Review status: criteria provided, single submitter. Criteria: EGL Classification Definitions 2015. Collection method: clinical testing. Allele origin: germline. Observed: 1 variant allele, 1 heterozygote.

PreventionGenetics, part of Exact Sciences
Classification: Likely benign for TTN-related condition. Last evaluated: 2019-09-13. Review status: no assertion criteria provided. Collection method: clinical testing. Allele origin: germline. Not counted in ClinVar's aggregate classification.
Comment: This variant is classified as likely benign based on ACMG/AMP sequence variant interpretation guidelines (Richards et al. 2015 PMID: 25741868, with internal and published modifications).

NM_001267550.2(TTN):c.39885G>A (p.Pro13295=)

Gene: TTN (titin; minus strand). Cytogenetic location: 2q31.2.
Variant type: single nucleotide variant.
Coding change: c.39885G>A on transcript NM_001267550.2 (MANE Select); coding-DNA position 39885, G replaced by A.
Protein change: p.Pro13295=; no amino-acid change (proline 13295 retained).
Molecular consequence: synonymous variant. On other transcripts: intron variant (3).
Genome position (GRCh38, 1-based): chr2:178,649,827, C>T on the plus strand (G>A on the coding strand, the complement: TTN is on the minus strand). VCF-style: chr2-178649827-C-T. GRCh37 (hg19) VCF-style: chr2-179514554-C-T.
Other names: c.35364G>A, p.Pro11788= (NM_001256850.1); c.32583G>A, p.Pro10861= (NM_133378.4); c.13283-7510G>A (NM_003319.4); c.13859-7510G>A (NM_133437.4); c.13658-7510G>A (NM_133432.3).
Identifiers: ClinVar variation 389048 (VCV000389048.51), dbSNP rs756518824, ClinGen allele CA1996569.
Genomic context (GRCh38, chr2:178,649,827, plus strand): 5'-GTAAAATTGTAGACACCACAAAAATGAAGTATTCATTTTAACATGAGTACCTTTAGGAGG[C>T]GGTGCTTCTGGTTTTTTGATGACAGGAACTTTCTTCTCTGGGATGATCTTCTTGGGCTCT-3'
Protein context (NP_001254479.2, residues 13285-13305): KVPVIKKPEA[Pro13295=]PPKEPEMPKK